The following is an entry in ClinVar:

ClinVar aggregate classification (germline): Conflicting classifications of pathogenicity. Review status: criteria provided, conflicting classifications (1 of 4 stars). 10 submissions from 10 submitters: Likely pathogenic (1); Uncertain significance (8). 1 of the submissions does not count toward it. Last evaluated 2026-01-09.

Conditions:
ALG6-congenital disorder of glycosylation 1C (CDG1C). Also called: CDG Ic; CARBOHYDRATE-DEFICIENT GLYCOPROTEIN SYNDROME, TYPE I, WITH DEFICIENT GLYCOSYLATION OF DOLICHOL-LINKED OLIGOSACCHARIDE; CARBOHYDRATE-DEFICIENT GLYCOPROTEIN SYNDROME, TYPE V; Congenital disorder of glycosylation, type Ic; Congenital disorder of glycosylation type 1C. Identifiers: Orphanet 79320, MedGen C2930997, MONDO:0011291, OMIM 603147.

Allele frequency attached by ClinVar (database versions not stated): ExAC 0.00006; gnomAD 0.00007; gnomAD exomes 0.00008 and 0.00010; TOPMed 0.00009; ESP Exome Variant Server 0.00015.

Submissions (10):

Women's Health and Genetics/Laboratory Corporation of America, LabCorp
Classification: Uncertain significance. Last evaluated: 2026-01-09. Review status: criteria provided, single submitter. Criteria: LabCorp Variant Classification Summary - May 2015. Collection method: clinical testing. Allele origin: germline.
Comment: Variant summary: ALG6 c.482A>G (p.Tyr161Cys) results in a non-conservative amino acid change in the encoded protein sequence. Algorithms developed to predict the effect of missense changes on protein structure and function all suggest that this variant is likely to be disruptive. The variant allele was found at a frequency of 8e-05 in 250810 control chromosomes. This frequency is not significantly higher than estimated for disease-causing variants in ALG6, allowing no conclusion about variant significance. c.482A>G has been reported in the literature in a homozygous individual affected with Congenital Disorder Of Glycosylation Type 1C (e.g. Al-Owain_2010, Mohamed_2015). These data indicate that the variant may be associated with disease. To our knowledge, no experimental evidence demonstrating an impact on protein function has been reported. The following publications have been ascertained in the context of this evaluation (PMID: 20398363, 26117549). ClinVar contains an entry for this variant (Variation ID: 632114). Based on the evidence outlined above, the variant was classified as VUS-possibly pathogenic.

Blueprint Genetics
Classification: Uncertain significance. Last evaluated: 2024-10-14. Review status: criteria provided, single submitter. Criteria: ACMG Guidelines, 2015. Collection method: clinical testing. Allele origin: germline.

Genomic Medicine Center of Excellence, King Faisal Specialist Hospital and Research Centre
Classification: Uncertain significance for ALG6-congenital disorder of glycosylation 1C. Last evaluated: 2024-03-26. Review status: criteria provided, single submitter. Criteria: ACMG Guidelines, 2015. Collection method: clinical testing. Allele origin: germline.

Mayo Clinic Laboratories, Mayo Clinic
Classification: Uncertain significance. Last evaluated: 2024-03-15. Review status: criteria provided, single submitter. Criteria: ACMG Guidelines, 2015. Collection method: clinical testing. Allele origin: germline. Observed: 1 variant allele.
Comment: PP3

Labcorp Genetics (formerly Invitae), Labcorp
Classification: Uncertain significance for ALG6-congenital disorder of glycosylation 1C. Last evaluated: 2022-10-07. Review status: criteria provided, single submitter. Criteria: Invitae Variant Classification Sherloc (09022015). Collection method: clinical testing. Allele origin: germline.
Comment: This sequence change replaces tyrosine, which is neutral and polar, with cysteine, which is neutral and slightly polar, at codon 161 of the ALG6 protein (p.Tyr161Cys). This variant is present in population databases (rs201354339, gnomAD 0.01%). This missense change has been observed in individual(s) with ALG6-CDG (congenital disorder of glycosylation) (PMID: 20398363). ClinVar contains an entry for this variant (Variation ID: 632114). Advanced modeling of protein sequence and biophysical properties (such as structural, functional, and spatial information, amino acid conservation, physicochemical variation, residue mobility, and thermodynamic stability) performed at Invitae indicates that this missense variant is not expected to disrupt ALG6 protein function. In summary, the available evidence is currently insufficient to determine the role of this variant in disease. Therefore, it has been classified as a Variant of Uncertain Significance.

Fulgent Genetics
Classification: Uncertain significance for ALG6-congenital disorder of glycosylation 1C. Last evaluated: 2021-07-23. Review status: criteria provided, single submitter. Criteria: ACMG Guidelines, 2015. Collection method: clinical testing. Allele origin: unknown.

Baylor Genetics
Classification: Uncertain significance for ALG6-congenital disorder of glycosylation 1C. Last evaluated: 2020-02-06. Review status: criteria provided, single submitter. Criteria: ACMG Guidelines, 2015. Collection method: clinical testing. Allele origin: unknown. Affected: yes.
Comment: This variant was determined to be of uncertain significance according to ACMG Guidelines, 2015 [PMID:25741868].

Breakthrough Genomics
Classification: Uncertain significance. Review status: criteria provided, single submitter. Criteria: ACMG Guidelines, 2015. Collection method: not provided. Allele origin: germline. Inheritance: Autosomal recessive inheritance. Affected: yes.

Kariminejad - Najmabadi Pathology & Genetics Center
Classification: Likely pathogenic for ALG6-congenital disorder of glycosylation 1C. Review status: criteria provided, single submitter. Criteria: ACMG Guidelines, 2015. Collection method: clinical testing. Allele origin: germline. Affected: no.

Natera, Inc.
Classification: Uncertain significance for Congenital disorder of glycosylation type 1c. Last evaluated: 2020-09-16. Review status: no assertion criteria provided. Collection method: clinical testing. Allele origin: germline. Not counted in ClinVar's aggregate classification.

Literature cited by the submitters: PubMed 26117549 (cited by Women's Health and Genetics/Laboratory Corporation of America, LabCorp and Mayo Clinic Laboratories, Mayo Clinic); PubMed 20398363 (cited by 3 submitters); PubMed 22838182 (cited by Mayo Clinic Laboratories, Mayo Clinic); PubMed 23430515 (cited by Mayo Clinic Laboratories, Mayo Clinic); PubMed 27287710 (cited by Mayo Clinic Laboratories, Mayo Clinic); PubMed 27884173 (cited by Mayo Clinic Laboratories, Mayo Clinic); PubMed 28940310 (cited by Mayo Clinic Laboratories, Mayo Clinic); PubMed 34426522 (cited by Mayo Clinic Laboratories, Mayo Clinic); PubMed 37239976 (cited by Mayo Clinic Laboratories, Mayo Clinic).

NM_013339.4(ALG6):c.482A>G (p.Tyr161Cys)

Gene: ALG6 (ALG6 alpha-1,3-glucosyltransferase; plus strand). Cytogenetic location: 1p31.3.
Variant type: single nucleotide variant.
Coding change: c.482A>G on transcript NM_013339.4 (MANE Select); coding-DNA position 482, A replaced by G.
Protein change: p.Tyr161Cys; replaces tyrosine 161 with cysteine.
Molecular consequence: missense variant.
Genome position (GRCh38, 1-based): chr1:63,407,114, A>G. VCF-style: chr1-63407114-A-G. GRCh37 (hg19) VCF-style: chr1-63872785-A-G.
Other names: p.Tyr161Cys; c.482A>G, p.Tyr161Cys (LRG_1260t1); short protein forms Y161C.
Identifiers: ClinVar variation 632114 (VCV000632114.19), dbSNP rs201354339, ClinGen allele CA888180.
Genomic context (GRCh38, chr1:63,407,114, plus strand): 5'-CTTTACAGATTGCTAATGCATTATGCATCTTGCTGTATCCAGGCCTTATTCTTATAGACT[A>G]TGGACATTTTCAGTATCCTTTACTAATGCAGAAATGAAGTCAGTTGCATATTGTGAAATC-3'
Protein context (NP_037471.2, residues 151-171): LLYPGLILID[Tyr161Cys]GHFQYNSVSL